The following is an entry in ClinVar:

ClinVar aggregate classification (germline): Uncertain significance. Review status: criteria provided, multiple submitters, no conflicts (2 of 4 stars). 2 submissions from 2 submitters: Uncertain significance (2). Last evaluated 2024-09-12.

Allele frequency attached by ClinVar (database versions not stated): ExAC 0.00005; gnomAD exomes 0.00005; gnomAD 0.00011 and 0.00013; TOPMed 0.00012; 1000 Genomes Project 0.00020; 1000 Genomes Project 30x 0.00031.
gnomAD v4.1: 107 of 1,610,638 alleles (0.0066%); highest among the groups gnomAD compares: African/African-American, 0.033%; no homozygotes.

Submissions (2):

Blueprint Genetics
Classification: Uncertain significance. Last evaluated: 2024-09-12. Review status: criteria provided, single submitter. Criteria: ACMG Guidelines, 2015. Collection method: clinical testing. Allele origin: germline.

GeneDx
Classification: Uncertain significance. Last evaluated: 2023-12-04. Review status: criteria provided, single submitter. Criteria: GeneDx Variant Classification Process June 2021. Collection method: clinical testing. Allele origin: germline. Affected: yes.
Comment: In silico analysis supports that this missense variant does not alter protein structure/function; Has not been previously published as pathogenic or benign to our knowledge

NM_144991.3(TSPEAR):c.518C>T (p.Thr173Met)

Gene: TSPEAR (thrombospondin type laminin G domain and EAR repeats; minus strand). Cytogenetic location: 21q22.3.
Variant type: single nucleotide variant.
Coding change: c.518C>T on transcript NM_144991.3 (MANE Select); coding-DNA position 518, C replaced by T.
Protein change: p.Thr173Met; replaces threonine 173 with methionine.
Molecular consequence: missense variant.
Genome position (GRCh38, 1-based): chr21:44,533,709, G>A on the plus strand (C>T on the coding strand, the complement: TSPEAR is on the minus strand). VCF-style: chr21-44533709-G-A. GRCh37 (hg19) VCF-style: chr21-45953592-G-A.
Other names: c.314C>T, p.Thr105Met (NM_001272037.2); short protein forms T105M, T173M.
Identifiers: ClinVar variation 1311328 (VCV001311328.4), dbSNP rs587742978, ClinGen allele CA10056997.